The following is an entry in ClinVar:

ClinVar aggregate classification (germline): Pathogenic (1 of 4 stars; one submission).

Conditions:
Cystic fibrosis (CF). Also called: MUCOVISCIDOSIS. Identifiers: Orphanet 586, MedGen C0010674, MONDO:0009061, OMIM 219700. Disease mechanism: loss of function.

Submission:

Ambry Genetics
Classification: Pathogenic for Cystic fibrosis. Last evaluated: 2020-09-08. Review status: criteria provided, single submitter. Criteria: Ambry Variant Classification Scheme 2023. Collection method: clinical testing. Allele origin: germline.
Comment: The c.3795delA variant, located in coding exon 23 of the CFTR gene, results from a deletion of one nucleotide at nucleotide position 3795, causing a translational frameshift with a predicted alternate stop codon (p.E1266Kfs*12). This alteration is expected to result in loss of function by premature protein truncation or nonsense-mediated mRNA decay. As such, this alteration is interpreted as a disease-causing mutation.

NM_000492.4(CFTR):c.3795del (p.Glu1266fs)

Genes: CFTR (CF transmembrane conductance regulator; plus strand), CFTR-AS2 (CFTR antisense RNA 2; minus strand). Cytogenetic location: 7q31.2.
Variant type: Deletion.
Coding change: c.3795del on transcript NM_000492.4 (MANE Select); coding-DNA position 3795, one base deleted (A; older notation c.3795delA).
Protein change: p.Glu1266fs; shifts the reading frame from glutamic acid 1266.
Molecular consequence: frameshift variant.
Genome position (GRCh38, 1-based): chr7:117,642,515, A deleted. VCF-style (leftmost placement, unchanged base first): chr7-117642514-GA-G. GRCh37 (hg19) VCF-style: chr7-117282568-GA-G.
Other names: short protein forms E1266fs.
Identifiers: ClinVar variation 1734976 (VCV001734976.2), dbSNP rs2485159964, ClinGen allele CA2580076354.